The following is an entry in ClinVar:

NM_003659.4(AGPS):c.*552T>G

Gene: AGPS (alkylglycerone phosphate synthase; plus strand). Cytogenetic location: 2q31.2.
Variant type: single nucleotide variant.
Coding change: c.*552T>G on transcript NM_003659.4 (MANE Select); 552 bases downstream of the stop codon, T replaced by G.
Molecular consequence: 3 prime UTR variant.
Genome position (GRCh38, 1-based): chr2:177,538,747, T>G. VCF-style: chr2-177538747-T-G. GRCh37 (hg19) VCF-style: chr2-178403475-T-G.
Identifiers: ClinVar variation 332534 (VCV000332534.5), dbSNP rs115060780, ClinGen allele CA10611959.

ClinVar aggregate classification (germline): Benign (1 of 4 stars; one submission).

Conditions:
Rhizomelic chondrodysplasia punctata type 3 (RCDP3). Also called: ALKYLDIHYDROXYACETONEPHOSPHATE SYNTHASE DEFICIENCY; Alkylglycerone Phosphate Synthase (AGPS) deficiency. Identifiers: Orphanet 177, Orphanet 309803, MedGen C1838612, MONDO:0010823, OMIM 600121. Disease mechanism: loss of function.

Allele frequency attached by ClinVar (database versions not stated): gnomAD 0.01630 and 0.01756; 1000 Genomes Project 0.01637; 1000 Genomes Project 30x 0.01827; TOPMed 0.01835.

Submission:

Illumina Laboratory Services, Illumina
Classification: Benign for Rhizomelic chondrodysplasia punctata type 3. Last evaluated: 2018-01-12. Review status: criteria provided, single submitter. Criteria: ICSL Variant Classification Criteria 13 December 2019. Collection method: clinical testing. Allele origin: germline.
Comment: This variant was observed in the ICSL laboratory as part of a predisposition screen in an ostensibly healthy population. It had not been previously curated by ICSL or reported in the Human Gene Mutation Database (HGMD: prior to June 1st, 2018), and was therefore a candidate for classification through an automated scoring system. Utilizing variant allele frequency, disease prevalence and penetrance estimates, and inheritance mode, an automated score was calculated to assess if this variant is too frequent to cause the disease. Based on the score and internal cut-off values, a variant classified as benign is not then subjected to further curation. The score for this variant resulted in a classification of benign for this disease.